The following is an entry in ClinVar:

ClinVar aggregate classification (germline): Pathogenic. Review status: criteria provided, single submitter (1 of 4 stars). 2 submissions from 1 submitter: Pathogenic (1). 1 of the submissions does not count toward it. Last evaluated 2022-07-23.

Conditions:
Brunner syndrome (BRNRS). Identifiers: Orphanet 3057, MedGen C0796275, MONDO:0010379, OMIM 300615.

Submissions (2):

Labcorp Genetics (formerly Invitae), Labcorp
Classification: Pathogenic. Last evaluated: 2022-07-23. Review status: criteria provided, single submitter. Criteria: Invitae Variant Classification Sherloc (09022015). Collection method: clinical testing. Allele origin: germline.
Comment: A gross deletion of the genomic region encompassing the full coding sequence of the NDP gene has been identified. Loss-of-function variants in NDP are known to be pathogenic (PMID: 17296899, 20340138). The boundaries of this event are unknown as they extend beyond the assayed region for this gene and therefore may encompass additional genes. A similar copy number variant has been observed in individual(s) with familial exudative vitreoretinopathy and/or Norrie disease (PMID: 22382802, 30452590). For these reasons, this variant has been classified as Pathogenic.

Labcorp Genetics (formerly Invitae), Labcorp
Classification: Pathogenic for Brunner syndrome. Last evaluated: 2022-01-14. Review status: flagged submission. Criteria: Invitae Variant Classification Sherloc (09022015). Collection method: clinical testing. Allele origin: germline. Not counted in ClinVar's aggregate classification.
Comment: A gross deletion of the genomic region encompassing the full coding sequence of the MAOA gene has been identified. Loss-of-function variants in MAOA are known to be pathogenic (PMID: 8211186). The boundaries of this event are unknown as they extend beyond the assayed region for this gene and therefore may encompass additional genes. This variant has not been reported in the literature in individuals affected with MAOA-related conditions. For these reasons, this variant has been classified as Pathogenic.
ClinVar note: Reason: This record appears to be redundant with a more recent record from the same submitter.
ClinVar note: Notes: SCV003788829 appears to be redundant with SCV003791967.

Literature cited by the submitters: PubMed 17296899; PubMed 20340138; PubMed 22382802; PubMed 30452590; PubMed 8211186.

NC_000023.10:g.(?_43515590)_(43817891_?)del

Genes: MAOA (monoamine oxidase A; plus strand), MAOB (monoamine oxidase B; minus strand), NDP (norrin cystine knot growth factor NDP; minus strand). Cytogenetic location: Xp11.3.
Variant type: Deletion.
Identifiers: ClinVar variation 2422624 (VCV002422624.3).